The following is an entry in ClinVar:

ClinVar aggregate classification (germline): Benign/Likely benign. Review status: criteria provided, multiple submitters, no conflicts (2 of 4 stars). 19 submissions from 19 submitters: Benign (14); Likely benign (1). 4 of the submissions do not count toward it. Last evaluated 2026-02-04.

Conditions:
Hereditary cancer-predisposing syndrome. Also called: Tumor predisposition; Hereditary neoplastic syndrome; Hereditary Cancer Syndrome; Neoplastic Syndromes, Hereditary. Identifiers: Orphanet 140162, MedGen C0027672, MeSH D009386, MONDO:0015356.
Oligodontia-cancer predisposition syndrome. Also called: TOOTH AGENESIS-COLORECTAL CANCER SYNDROME. Identifiers: Orphanet 300576, MedGen C1837750, MONDO:0012075, OMIM 608615. Disease mechanism: loss of function.

Allele frequency attached by ClinVar (database versions not stated): gnomAD exomes 0.89414 and 0.90187; gnomAD 0.90382 and 0.90433; TOPMed 0.90414; 1000 Genomes Project 0.90974; ESP Exome Variant Server 0.91088; 1000 Genomes Project 30x 0.91131; ExAC 0.91440.
gnomAD v4.1: 1,396,040 of 1,559,288 alleles (90%); highest among the groups gnomAD compares: Middle Eastern, 96%; 625,484 homozygotes.

Submissions (19):

Labcorp Genetics (formerly Invitae), Labcorp
Classification: Benign for Oligodontia-cancer predisposition syndrome. Last evaluated: 2026-02-04. Review status: criteria provided, single submitter. Criteria: Invitae Variant Classification Sherloc (09022015). Collection method: clinical testing. Allele origin: germline.

Molecular Diagnostics Laboratory, Catalan Institute of Oncology
Classification: Benign for Hereditary cancer-predisposing syndrome. Last evaluated: 2025-08-25. Review status: criteria provided, single submitter. Criteria: ACMG Guidelines, 2015. Collection method: clinical testing. Allele origin: germline.
Comment: BA1, BP4, BP7 c.1365A>G, located in exon 6 of the AXIN2 gene, is predicted to result in no amino acid change, p.(Pro455=) (BP7). The variant allele was found in 72916/81862 alleles, with a filtering allele frequency of 88.03% at 99% confidence, within the NFE population in the gnomAD v2.1.1 database (non-cancer data set) (BA1). The SpliceAI algorithm predicts no significant impact on splicing (BP4). Additional information has not been evaluated for this variant. Based on the currently available evidence, c.1365A>G is classified as a benign variant according to ACMG guidelines.

ARUP Laboratories, Molecular Genetics and Genomics, ARUP Laboratories
Classification: Benign. Last evaluated: 2025-07-30. Review status: criteria provided, single submitter. Criteria: ARUP Molecular Germline Variant Investigation Process 2024. Collection method: clinical testing. Allele origin: germline.

GeneKor MSA
Classification: Benign for Hereditary cancer-predisposing syndrome. Last evaluated: 2025-07-10. Review status: criteria provided, single submitter. Criteria: ACMG Guidelines, 2015. Collection method: clinical testing. Allele origin: germline.

Blueprint Genetics
Classification: Likely benign. Last evaluated: 2024-11-28. Review status: criteria provided, single submitter. Criteria: ACMG Guidelines, 2015. Collection method: clinical testing. Allele origin: germline.

Myriad Genetics, Inc.
Classification: Benign for Oligodontia-cancer predisposition syndrome. Last evaluated: 2024-07-02. Review status: criteria provided, single submitter. Criteria: Myriad Autosomal Dominant, Autosomal Recessive and X-Linked Classification Criteria (2023). Collection method: clinical testing. Allele origin: unknown.
Comment: This variant is considered benign. This variant is a silent/synonymous amino acid change and it is not expected to impact splicing.

KCCC/NGS Laboratory, Kuwait Cancer Control Center
Classification: Benign for Oligodontia-cancer predisposition syndrome. Last evaluated: 2023-07-07. Review status: criteria provided, single submitter. Criteria: ACMG Guidelines, 2015. Collection method: clinical testing. Allele origin: germline. Affected: yes.

Genome-Nilou Lab
Classification: Benign for Oligodontia-cancer predisposition syndrome. Last evaluated: 2021-07-14. Review status: criteria provided, single submitter. Criteria: ACMG Guidelines, 2015. Collection method: clinical testing. Allele origin: germline. Affected: no.

Ambry Genetics
Classification: Benign for Hereditary cancer-predisposing syndrome. Last evaluated: 2018-09-10. Review status: criteria provided, single submitter. Criteria: Ambry Variant Classification Scheme 2023. Collection method: clinical testing. Allele origin: germline.

Illumina Laboratory Services, Illumina
Classification: Benign for Oligodontia-cancer predisposition syndrome. Last evaluated: 2018-01-13. Review status: criteria provided, single submitter. Criteria: ICSL Variant Classification Criteria 13 December 2019. Collection method: clinical testing. Allele origin: germline.
Comment: This variant was observed in the ICSL laboratory as part of a predisposition screen in an ostensibly healthy population. It had not been previously curated by ICSL or reported in the Human Gene Mutation Database (HGMD: prior to June 1st, 2018), and was therefore a candidate for classification through an automated scoring system. Utilizing variant allele frequency, disease prevalence and penetrance estimates, and inheritance mode, an automated score was calculated to assess if this variant is too frequent to cause the disease. Based on the score and internal cut-off values, a variant classified as benign is not then subjected to further curation. The score for this variant resulted in a classification of benign for this disease.

Women's Health and Genetics/Laboratory Corporation of America, LabCorp
Classification: Benign. Last evaluated: 2016-08-17. Review status: criteria provided, single submitter. Criteria: LabCorp Variant Classification Summary - May 2015. Collection method: clinical testing. Allele origin: germline.
Comment: Variant summary: The AXIN2 c.1365A>G (p.Pro455Pro) variant causes a synonymous change involving a non-conserved nucleotide. The variant of interest was observed in the large, broad control population, ExAC, with an allele frequency of 0.914 (39107/42768 chromosomes, 17839 homozygotes), therefore suggesting that the G allele is the major allele (most commonly observed) found in the general population. Therefore, the variant of interest has been classified as Benign.

Laboratory for Molecular Medicine, Mass General Brigham Personalized Medicine
Classification: Benign. Last evaluated: 2016-03-29. Review status: criteria provided, single submitter. Criteria: LMM Criteria. Collection method: clinical testing. Allele origin: germline.
Comment: Variant identified in a genome or exome case(s) and assessed due to predicted null impact of the variant or pathogenic assertions in the literature or databases. Disclaimer: This variant has not undergone full assessment. The following are preliminary notes: Frequency

GeneDx
Classification: Benign. Last evaluated: 2015-03-03. Review status: criteria provided, single submitter. Criteria: GeneDx Variant Classification Process June 2021. Collection method: clinical testing. Allele origin: germline. Affected: yes.

Breakthrough Genomics
Classification: Benign. Review status: criteria provided, single submitter. Criteria: ACMG Guidelines, 2015. Collection method: not provided. Allele origin: germline. Inheritance: Autosomal dominant inheritance. Affected: yes.

PreventionGenetics, part of Exact Sciences
Classification: Benign. Review status: criteria provided, single submitter. Criteria: ACMG Guidelines, 2015. Collection method: clinical testing. Allele origin: germline.

Clinical Genetics, Academic Medical Center
Classification: Benign. Review status: no assertion criteria provided. Collection method: clinical testing. Allele origin: germline. Affected: yes. Study: VKGL Data-share Consensus. Not counted in ClinVar's aggregate classification.

Diagnostic Laboratory, Department of Genetics, University Medical Center Groningen
Classification: Benign. Review status: no assertion criteria provided. Collection method: clinical testing. Allele origin: germline. Affected: yes. Study: VKGL Data-share Consensus. Not counted in ClinVar's aggregate classification.

Genome Diagnostics Laboratory, University Medical Center Utrecht
Classification: Benign. Review status: no assertion criteria provided. Collection method: clinical testing. Allele origin: germline. Affected: yes. Study: VKGL Data-share Consensus. Not counted in ClinVar's aggregate classification.

Mayo Clinic Laboratories, Mayo Clinic
Classification: Benign. Review status: no assertion criteria provided. Collection method: clinical testing. Allele origin: unknown. Not counted in ClinVar's aggregate classification.

NM_004655.4(AXIN2):c.1365A>G (p.Pro455=)

Gene: AXIN2 (axin 2; minus strand). Cytogenetic location: 17q24.1.
Variant type: single nucleotide variant.
Coding change: c.1365A>G on transcript NM_004655.4 (MANE Select); coding-DNA position 1365, A replaced by G.
Protein change: p.Pro455=; no amino-acid change (proline 455 retained).
Molecular consequence: synonymous variant.
Genome position (GRCh38, 1-based): chr17:65,537,671, T>C on the plus strand (A>G on the coding strand, the complement: AXIN2 is on the minus strand). VCF-style: chr17-65537671-T-C. GRCh37 (hg19) VCF-style: chr17-63533789-T-C.
Other names: c.1365A>G, p.Pro455= (NM_001363813.1).
Identifiers: ClinVar variation 259509 (VCV000259509.53), dbSNP rs9915936, ClinGen allele CA8718672.